The following is an entry in ClinVar:

ClinVar aggregate classification (germline): Pathogenic (1 of 4 stars; one submission).

Conditions:
RASopathy. Also called: Noonan spectrum disorder; rasopathies. Identifiers: Orphanet 536391, MedGen C5555857, MONDO:0021060.

Submission:

Labcorp Genetics (formerly Invitae), Labcorp
Classification: Pathogenic for RASopathy. Last evaluated: 2025-05-26. Review status: criteria provided, single submitter. Criteria: Invitae Variant Classification Sherloc (09022015). Collection method: clinical testing. Allele origin: germline.
Comment: This sequence change creates a premature translational stop signal (p.Arg512*) in the PTPN11 gene. It is expected to result in an absent or disrupted protein product. Loss-of-function variants in PTPN11 are known to be pathogenic (PMID: 20577567, 21533187). This variant is not present in population databases (gnomAD no frequency). This variant has not been reported in the literature in individuals affected with PTPN11-related conditions. ClinVar contains an entry for this variant (Variation ID: 1901747). For these reasons, this variant has been classified as Pathogenic.

Literature cited by the submitters: PubMed 20577567; PubMed 21533187.

NM_002834.5(PTPN11):c.1534C>T (p.Arg512Ter)

Gene: PTPN11 (protein tyrosine phosphatase non-receptor type 11; plus strand). Cytogenetic location: 12q24.13.
Variant type: single nucleotide variant.
Coding change: c.1534C>T on transcript NM_002834.5 (MANE Select); coding-DNA position 1534, C replaced by T.
Protein change: p.Arg512Ter; replaces arginine 512 with a stop codon.
Molecular consequence: nonsense.
Genome position (GRCh38, 1-based): chr12:112,489,110, C>T. VCF-style: chr12-112489110-C-T. GRCh37 (hg19) VCF-style: chr12-112926914-C-T.
Other names: c.1546C>T, p.Arg516Ter (NM_001330437.2); c.1531C>T, p.Arg511Ter (NM_001374625.1); short protein forms R511*, R512*, R516*.
Identifiers: ClinVar variation 1901747 (VCV001901747.5), dbSNP rs2135916511, ClinGen allele CA386779936.